The following is an entry in ClinVar:

ClinVar aggregate classification (germline): Uncertain significance (1 of 4 stars; one submission).

Conditions:
Juvenile polyposis syndrome (JPS). Identifiers: Orphanet 2929, MedGen C0345893, MONDO:0017380, OMIM 174900.

Submission:

All of Us Research Program, National Institutes of Health
Classification: Uncertain significance for Juvenile polyposis syndrome. Last evaluated: 2024-07-20. Review status: criteria provided, single submitter. Criteria: ACMG Guidelines, 2015. Collection method: clinical testing. Allele origin: germline. Inheritance: Autosomal dominant inheritance. Observed: 1 variant allele, 1 heterozygote.
Comment: This missense variant replaces cysteine with glycine at codon 173 of the BMPR1A protein. Computational prediction suggests that this variant may not impact protein structure and function (internally defined REVEL score threshold <= 0.5, PMID: 27666373). To our knowledge, functional studies have not been reported for this variant. This variant has not been reported in individuals affected with BMPR1A-related disorders in the literature. This variant has not been identified in the general population by the Genome Aggregation Database (gnomAD). The available evidence is insufficient to determine the role of this variant in disease conclusively. Therefore, this variant is classified as a Variant of Uncertain Significance.

This study involves interpretation of variants in research participants for the purpose of population health screening. Participant phenotype was not available at the time of variant classification. Additional details can be found in publication PMID: 35346344, PMCID: PMC8962531

NM_004329.3(BMPR1A):c.517T>G (p.Cys173Gly)

Gene: BMPR1A (bone morphogenetic protein receptor type 1A; plus strand). Cytogenetic location: 10q23.2.
Variant type: single nucleotide variant.
Coding change: c.517T>G on transcript NM_004329.3 (MANE Select); coding-DNA position 517, T replaced by G.
Protein change: p.Cys173Gly; replaces cysteine 173 with glycine.
Molecular consequence: missense variant. On other transcripts: non-coding transcript variant (3), intron variant (1).
Genome position (GRCh38, 1-based): chr10:86,900,113, T>G. VCF-style: chr10-86900113-T-G. GRCh37 (hg19) VCF-style: chr10-88659870-T-G.
Other names: c.517T>G, p.Cys173Gly (NM_001406559.1, NM_001406560.1, NM_001406561.1 and 22 more transcripts); c.433T>G, p.Cys145Gly (NM_001406585.1, NM_001406586.1, NM_001406587.1 and 2 more transcripts); c.333+7884T>G (NM_001406589.1); short protein forms C145G, C173G.
Identifiers: ClinVar variation 3385963 (VCV003385963.1).